The following is an entry in ClinVar:

ClinVar aggregate classification (germline): Uncertain significance (1 of 4 stars; one submission).

Submission:

Labcorp Genetics (formerly Invitae), Labcorp
Classification: Uncertain significance. Last evaluated: 2025-10-22. Review status: criteria provided, single submitter. Criteria: Invitae Variant Classification Sherloc (09022015). Collection method: clinical testing. Allele origin: germline.
Comment: This sequence change replaces aspartic acid, which is acidic and polar, with tyrosine, which is neutral and polar, at codon 2894 of the PCLO protein (p.Asp2894Tyr). This variant is not present in population databases (gnomAD no frequency). This variant has not been reported in the literature in individuals affected with PCLO-related conditions. Experimental studies and prediction algorithms are not available or were not evaluated, and the functional significance of this variant is currently unknown. In summary, the available evidence is currently insufficient to determine the role of this variant in disease. Therefore, it has been classified as a Variant of Uncertain Significance.

NM_033026.6(PCLO):c.8680G>T (p.Asp2894Tyr)

Gene: PCLO (piccolo presynaptic cytomatrix protein; minus strand). Cytogenetic location: 7q21.11.
Variant type: single nucleotide variant.
Coding change: c.8680G>T on transcript NM_033026.6 (MANE Select); coding-DNA position 8680, G replaced by T.
Protein change: p.Asp2894Tyr; replaces aspartic acid 2894 with tyrosine.
Molecular consequence: missense variant.
Genome position (GRCh38, 1-based): chr7:82,952,273, C>A on the plus strand (G>T on the coding strand, the complement: PCLO is on the minus strand). VCF-style: chr7-82952273-C-A. GRCh37 (hg19) VCF-style: chr7-82581589-C-A.
Other names: c.8680G>T, p.Asp2894Tyr (NM_014510.3); short protein forms D2894Y.
Identifiers: ClinVar variation 4809479 (VCV004809479.1).
Genomic context (GRCh38, chr7:82,952,273, plus strand): 5'-CATCCATTGTTACGACTGTTCTGTGAGACTTGGTTGTACTGAGATCCACTACTTCCCCAT[C>A]AGTGATTCCCTGGGATACGGTGCTATCAGTCCATCCATTTGTGACACCAACAGGAGGCAC-3'
Protein context (NP_149015.2, residues 2884-2904): TDSTVSQGIT[Asp2894Tyr]GEVVDLSTTK